The following is an entry in ClinVar:

ClinVar aggregate classification (germline): Uncertain significance (1 of 4 stars; one submission).

gnomAD v4.1: 1 of 1,613,730 alleles (0.000062%); highest among the groups gnomAD compares: East Asian, 0.0022%; no homozygotes.

Submission:

Ambry Genetics
Classification: Uncertain significance. Last evaluated: 2021-06-30. Review status: criteria provided, single submitter. Criteria: Ambry Variant Classification Scheme 2023. Collection method: clinical testing. Allele origin: germline.
Comment: The p.P676T variant (also known as c.2026C>A), located in coding exon 4 of the ALPK2 gene, results from a C to A substitution at nucleotide position 2026. The proline at codon 676 is replaced by threonine, an amino acid with highly similar properties. This amino acid position is conserved. In addition, this alteration is predicted to be tolerated by in silico analysis. Since supporting evidence is limited at this time, the clinical significance of this alteration remains unclear.

NM_052947.4(ALPK2):c.2026C>A (p.Pro676Thr)

Gene: ALPK2 (alpha kinase 2; minus strand). Cytogenetic location: 18q21.31.
Variant type: single nucleotide variant.
Coding change: c.2026C>A on transcript NM_052947.4 (MANE Select); coding-DNA position 2026, C replaced by A.
Protein change: p.Pro676Thr; replaces proline 676 with threonine.
Molecular consequence: missense variant.
Genome position (GRCh38, 1-based): chr18:58,538,161, G>T on the plus strand (C>A on the coding strand, the complement: ALPK2 is on the minus strand). VCF-style: chr18-58538161-G-T. GRCh37 (hg19) VCF-style: chr18-56205393-G-T.
Other names: short protein forms P676T.
Identifiers: ClinVar variation 3228605 (VCV003228605.1), dbSNP rs1208376702, ClinGen allele CA402571866.